The following is an entry in ClinVar:

ClinVar aggregate classification (germline): Benign (1 of 4 stars; one submission).

Allele frequency attached by ClinVar (database versions not stated): gnomAD 0.03760 and 0.03830; TOPMed 0.03916; 1000 Genomes Project 30x 0.06106; 1000 Genomes Project 0.06170.
gnomAD v4.1: 5,771 of 152,120 alleles (3.8%); highest among the groups gnomAD compares: East Asian, 11%; 206 homozygotes.

Submission:

GeneDx
Classification: Benign. Last evaluated: 2018-06-14. Review status: criteria provided, single submitter. Criteria: GeneDx Variant Classification (06012015). Collection method: clinical testing. Allele origin: germline. Affected: yes.
Comment: This variant is considered likely benign or benign based on one or more of the following criteria: it is a conservative change, it occurs at a poorly conserved position in the protein, it is predicted to be benign by multiple in silico algorithms, and/or has population frequency not consistent with disease.

NM_001375808.2(LPIN2):c.823-203G>A

Gene: LPIN2 (lipin 2; minus strand). Cytogenetic location: 18p11.31.
Variant type: single nucleotide variant.
Coding change: c.823-203G>A on transcript NM_001375808.2 (MANE Select); 203 bases into the intron before coding-DNA position 823, G replaced by A.
Molecular consequence: intron variant.
Genome position (GRCh38, 1-based): chr18:2,938,240, C>T on the plus strand (G>A on the coding strand, the complement: LPIN2 is on the minus strand). VCF-style: chr18-2938240-C-T. GRCh37 (hg19) VCF-style: chr18-2938238-C-T.
Other names: c.823-203G>A (NM_014646.2, NM_001375809.1).
Identifiers: ClinVar variation 677839 (VCV000677839.1), dbSNP rs9962809, ClinGen allele CA295507983.